The following is an entry in ClinVar:

NM_000246.4(CIITA):c.803C>T (p.Pro268Leu)

Gene: CIITA (class II major histocompatibility complex transactivator; plus strand). Cytogenetic location: 16p13.13.
Variant type: single nucleotide variant.
Coding change: c.803C>T on transcript NM_000246.4 (MANE Select); coding-DNA position 803, C replaced by T.
Protein change: p.Pro268Leu; replaces proline 268 with leucine.
Molecular consequence: missense variant. On other transcripts: non-coding transcript variant (1).
Genome position (GRCh38, 1-based): chr16:10,903,761, C>T. VCF-style: chr16-10903761-C-T. GRCh37 (hg19) VCF-style: chr16-10997618-C-T.
Other names: c.806C>T, p.Pro269Leu (NM_001286402.1, NM_001379332.1); c.656C>T, p.Pro219Leu (NM_001286403.2, NM_001379331.1); c.659C>T, p.Pro220Leu (NM_001379330.1); c.803C>T, p.Pro268Leu (NM_001379333.1); c.734C>T, p.Pro245Leu (NM_001379334.1); short protein forms P219L, P220L, P245L, P268L, P269L.
Identifiers: ClinVar variation 1025753 (VCV001025753.10), dbSNP rs1158727564, ClinGen allele CA394729147.

ClinVar aggregate classification (germline): Uncertain significance. Review status: criteria provided, single submitter (1 of 4 stars). 2 submissions from 2 submitters: Uncertain significance (1). 1 of the submissions does not count toward it. Last evaluated 2021-08-24.

Conditions:
MHC class II deficiency. Also called: BLS, TYPE II; Bare lymphocyte syndrome 2. Identifiers: Orphanet 572, MedGen C5447452, MONDO:0008855.

Allele frequency attached by ClinVar (database versions not stated): TOPMed below 0.00001; gnomAD exomes 0.00001.
gnomAD v4.1: 10 of 1,614,206 alleles (0.00062%); highest among the groups gnomAD compares: East Asian, 0.0089%; no homozygotes.

Submissions (2):

Labcorp Genetics (formerly Invitae), Labcorp
Classification: Uncertain significance for MHC class II deficiency. Last evaluated: 2021-08-24. Review status: criteria provided, single submitter. Criteria: Invitae Variant Classification Sherloc (09022015). Collection method: clinical testing. Allele origin: germline.
Comment: This sequence change replaces proline with leucine at codon 268 of the CIITA protein (p.Pro268Leu). The proline residue is moderately conserved and there is a moderate physicochemical difference between proline and leucine. This variant is not present in population databases (ExAC no frequency). This variant has not been reported in the literature in individuals affected with CIITA-related conditions. Algorithms developed to predict the effect of missense changes on protein structure and function output the following: SIFT: "Deleterious"; PolyPhen-2: "Benign"; Align-GVGD: "Class C0". The leucine amino acid residue is found in multiple mammalian species, which suggests that this missense change does not adversely affect protein function. In summary, the available evidence is currently insufficient to determine the role of this variant in disease. Therefore, it has been classified as a Variant of Uncertain Significance.

Natera, Inc.
Classification: Uncertain significance for Bare lymphocyte syndrome type II. Last evaluated: 2020-01-24. Review status: no assertion criteria provided. Collection method: clinical testing. Allele origin: germline. Not counted in ClinVar's aggregate classification.